The following is an entry in ClinVar:

ClinVar aggregate classification (germline): Uncertain significance (1 of 4 stars; one submission).

Conditions:
Marfan syndrome (MFS). Also called: MARFAN SYNDROME, TYPE I; Marfan syndrome type 1; Marfan's syndrome; Marfan syndrome, classic; FBN1-Related Marfan Syndrome. Identifiers: Orphanet 284963, Orphanet 558, MedGen C0024796, MONDO:0007947, OMIM 154700.
Familial thoracic aortic aneurysm and aortic dissection (TAAD). Also called: Thoracic aortic aneurysms and dissections. Identifiers: Orphanet 91387, MedGen C4707243, MONDO:0019625.

Submission:

Labcorp Genetics (formerly Invitae), Labcorp
Classification: Uncertain significance for Marfan syndrome; Familial thoracic aortic aneurysm and aortic dissection. Last evaluated: 2024-10-03. Review status: criteria provided, single submitter. Criteria: Invitae Variant Classification Sherloc (09022015). Collection method: clinical testing. Allele origin: germline.
Comment: This sequence change replaces threonine, which is neutral and polar, with isoleucine, which is neutral and non-polar, at codon 856 of the FBN1 protein (p.Thr856Ile). This variant is not present in population databases (gnomAD no frequency). This variant has not been reported in the literature in individuals affected with FBN1-related conditions. Invitae Evidence Modeling of protein sequence and biophysical properties (such as structural, functional, and spatial information, amino acid conservation, physicochemical variation, residue mobility, and thermodynamic stability) indicates that this missense variant is not expected to disrupt FBN1 protein function with a negative predictive value of 95%. In summary, the available evidence is currently insufficient to determine the role of this variant in disease. Therefore, it has been classified as a Variant of Uncertain Significance.

NM_000138.5(FBN1):c.2567C>T (p.Thr856Ile)

Gene: FBN1 (fibrillin 1; minus strand). Cytogenetic location: 15q21.1.
Variant type: single nucleotide variant.
Coding change: c.2567C>T on transcript NM_000138.5 (MANE Select); coding-DNA position 2567, C replaced by T.
Protein change: p.Thr856Ile; replaces threonine 856 with isoleucine.
Molecular consequence: missense variant.
Genome position (GRCh38, 1-based): chr15:48,495,233, G>A on the plus strand (C>T on the coding strand, the complement: FBN1 is on the minus strand). VCF-style: chr15-48495233-G-A. GRCh37 (hg19) VCF-style: chr15-48787430-G-A.
Other names: c.2567C>T, p.Thr856Ile (NM_001406716.1); short protein forms T856I.
Identifiers: ClinVar variation 2935776 (VCV002935776.3), dbSNP rs2505571159, ClinGen allele CA392332807.